The following is an entry in ClinVar:

NC_000002.12:g.(?_32154364)_(32154506_?)del

Gene: SPAST (spastin; plus strand). Cytogenetic location: 2p22.3.
Variant type: Deletion.
Identifiers: ClinVar variation 665031 (VCV000665031.2).

ClinVar aggregate classification (germline): Pathogenic (1 of 4 stars; one submission).

Conditions:
Hereditary spastic paraplegia 4. Also called: Spastic paraplegia 4, autosomal dominant; Spastic Paraplegia 4; Familial spastic paraplegia autosomal dominant 2. Identifiers: Orphanet 100985, MedGen C1866855, MONDO:0008438, OMIM 182601.

Submission:

Labcorp Genetics (formerly Invitae), Labcorp
Classification: Pathogenic for Spastic paraplegia 4, autosomal dominant. Last evaluated: 2019-12-23. Review status: criteria provided, single submitter. Criteria: Invitae Variant Classification Sherloc (09022015). Collection method: clinical testing. Allele origin: germline.
Comment: This variant is a gross deletion of the genomic region encompassing exon 17 of the SPAST gene. The 5' boundary is likely confined to intron 16. The 3' end of this event is unknown as it extends through the termination codon beyond the assayed region for this gene and may encompass additional genes. While this deletion is not anticipated to result in nonsense mediated decay, it is expected to create a truncated SPAST protein. Subgenic deletions encompassing exon 17 fit the known pathogenic mutation spectrum, and this particular deletion has been reported to segregate with disease in two families (PMID: 17345589, 17035675, 11134375). For these reasons, this variant has been classified as Pathogenic.

Literature cited by the submitters: PubMed 17035675; PubMed 11134375; PubMed 17345589.